The following is an entry in ClinVar:

ClinVar aggregate classification (germline): Pathogenic (1 of 4 stars; one submission).

Conditions:
Duchenne muscular dystrophy (DMD). Also called: MUSCULAR DYSTROPHY, PSEUDOHYPERTROPHIC PROGRESSIVE, DUCHENNE TYPE; Duchenne Muscular Dystrophy (DMD). Identifiers: Orphanet 98896, MedGen C0013264, MONDO:0010679, OMIM 310200.

Submission:

Labcorp Genetics (formerly Invitae), Labcorp
Classification: Pathogenic for Duchenne muscular dystrophy. Last evaluated: 2019-09-16. Review status: criteria provided, single submitter. Criteria: Invitae Variant Classification Sherloc (09022015). Collection method: clinical testing. Allele origin: germline.
Comment: This variant is a gross deletion of the genomic region encompassing exons 46-47 of the DMD gene. This out-of-frame deletion creates a premature translational stop signal and is expected to result in an absent or disrupted protein product. Loss-of-function variants in DMD are known to be pathogenic. This particular variant has been reported in the literature in many individuals affected with Duchenne muscular dystrophy (PMID: 22090376, 18752307, 15723292, 9800909, 18683213, 20944443, 24217213). For these reasons, this variant has been classified as Pathogenic.

Literature cited by the submitters: PubMed 22090376; PubMed 18752307; PubMed 18683213; PubMed 15723292; PubMed 9800909; PubMed 24217213; PubMed 20944443.

NC_000023.11:g.(?_31929586)_(31932237_?)del

Gene: DMD (dystrophin; minus strand). Cytogenetic location: Xp21.1.
Variant type: Deletion.
Identifiers: ClinVar variation 665027 (VCV000665027.2).